The following is an entry in ClinVar:

ClinVar aggregate classification (germline): Pathogenic/Likely pathogenic. Review status: criteria provided, multiple submitters, no conflicts (2 of 4 stars). 6 submissions from 6 submitters: Pathogenic (5); Likely pathogenic (1). Last evaluated 2024-09-19.

Conditions:
Intellectual developmental disorder, autosomal dominant 68 (MRD68). Also called: MENTAL RETARDATION, AUTOSOMAL DOMINANT 68. Identifiers: MedGen C5677008, MONDO:0030969, OMIM 619934.
Dystonia 28, childhood-onset (DYT28). Also called: KMT2B-Related Dystonia (DYT-KMT2B). Identifiers: Orphanet 589618, MedGen C4310633, MONDO:0015004, OMIM 617284.
KMT2B-related disorder. Also called: KMT2B-related condition; KMT2B-related disorders. Identifiers: MedGen CN381338.

Submissions (6):

Victorian Clinical Genetics Services, Murdoch Childrens Research Institute
Classification: Pathogenic for Intellectual developmental disorder, autosomal dominant 68. Last evaluated: 2024-09-19. Review status: criteria provided, single submitter. Criteria: ACMG Guidelines, 2015. Collection method: clinical testing. Allele origin: germline. Inheritance: Autosomal dominant inheritance. Affected: yes.
Comment: Based on the classification scheme VCGS_Germline_v1.3.4, this variant is classified as Pathogenic. Following criteria are met: 0102 - Loss of function is a known mechanism of disease in this gene and is associated with childhood-onset dystonia 28 (MIM#617284) and autosomal dominant intellectual developmental disorder 68 (MIM#619934). (I) 0107 - This gene is associated with autosomal dominant disease. (I) 0112 - The condition associated with this gene has incomplete penetrance. Rarely, inheritance from an asymptomatic parent has been reported for missense variants (PMID: 33150406). (I) 0201 - Variant is predicted to cause nonsense-mediated decay (NMD) and loss of protein (premature termination codon is located at least 54 nucleotides upstream of the final exon-exon junction). (SP) 0251 - This variant is heterozygous. (I) 0301 - Variant is absent from gnomAD (both v2 and v3). (SP) 0701 - Other premature termination variants comparable to the one identified in this case have very strong previous evidence for pathogenicity. Many NMD-predicted variants in this gene have been reported as likely pathogenic/pathogenic and in individuals with KMT2B-related disorders (ClinVar, PMID: 33150406). (SP) 0802 - This variant has moderate previous evidence of pathogenicity in unrelated individuals. It has been reported as pathogenic by multiple clinical testing laboratories, including in an individual with dystonia and syndromic global developmental delay (ClinVar). (SP) Legend: (SP) - Supporting pathogenic, (I) - Information, (SB) - Supporting benign

GeneDx
Classification: Pathogenic. Last evaluated: 2024-08-20. Review status: criteria provided, single submitter. Criteria: GeneDx Variant Classification Process June 2021. Collection method: clinical testing. Allele origin: germline. Affected: yes.
Comment: Frameshift variant predicted to result in protein truncation or nonsense mediated decay in a gene for which loss of function is a known mechanism of disease; Not observed at significant frequency in large population cohorts (gnomAD); Has not been previously published as pathogenic or benign to our knowledge

3billion
Classification: Pathogenic for Dystonia 28, childhood-onset. Last evaluated: 2024-01-26. Review status: criteria provided, single submitter. Criteria: ACMG Guidelines, 2015. Collection method: clinical testing. Allele origin: germline. Affected: yes.
Comment: The variant is not observed in the gnomAD v2.1.1 dataset. Predicted Consequence/Location: Frameshift: predicted to result in a loss or disruption of normal protein function through nonsense-mediated decay (NMD) or protein truncation. Multiple pathogenic variants are reported downstream of the variant. The variant has been reported at least twice as pathogenic with clinical assertions and evidence for the classification (ClinVar ID: VCV000817423 /3billion dataset). Therefore, this variant is classified as Pathogenic according to the recommendation of ACMG/AMP guideline.

Labcorp Genetics (formerly Invitae), Labcorp
Classification: Pathogenic. Last evaluated: 2021-08-05. Review status: criteria provided, single submitter. Criteria: Invitae Variant Classification Sherloc (09022015). Collection method: clinical testing. Allele origin: germline.
Comment: For these reasons, this variant has been classified as Pathogenic. This sequence change creates a premature translational stop signal (p.Ser9Glyfs*110) in the KMT2B gene. It is expected to result in an absent or disrupted protein product. Loss-of-function variants in KMT2B are known to be pathogenic (PMID: 27839873, 27992417). The frequency data for this variant in the population databases is considered unreliable, as metrics indicate insufficient coverage at this position in the ExAC database. ClinVar contains an entry for this variant (Variation ID: 817423). This variant has not been reported in the literature in individuals affected with KMT2B-related conditions.

Blueprint Genetics
Classification: Likely pathogenic for KMT2B-related disorders. Last evaluated: 2019-03-04. Review status: criteria provided, single submitter. Criteria: ACMG Guidelines, 2015. Collection method: clinical testing. Allele origin: germline. Affected: yes. Observed: 2 variant alleles.

Institute of Human Genetics, University of Leipzig Medical Center
Classification: Pathogenic for Intellectual developmental disorder, autosomal dominant 68. Review status: criteria provided, single submitter. Criteria: ACMG Guidelines, 2015. Collection method: clinical testing. Allele origin: unknown. Affected: yes.
Comment: Criteria applied: PVS1,PS4,PM2

Literature cited by the submitters: PubMed 33150406 (cited by Victorian Clinical Genetics Services, Murdoch Childrens Research Institute); PubMed 27839873 (cited by Labcorp Genetics (formerly Invitae), Labcorp); PubMed 27992417 (cited by Labcorp Genetics (formerly Invitae), Labcorp).

NM_014727.3(KMT2B):c.15_24dup (p.Ser9fs)

Gene: KMT2B (lysine methyltransferase 2B; plus strand). Cytogenetic location: 19q13.12.
Variant type: Duplication.
Coding change: c.15_24dup on transcript NM_014727.3 (MANE Select); coding-DNA positions 15 to 24, 10 bases duplicated (GGGCGGCGGC; older notation c.15_24dupGGGCGGCGGC).
Protein change: p.Ser9fs; shifts the reading frame from serine 9.
Molecular consequence: frameshift variant.
Genome position (GRCh38, 1-based): chr19:35,718,033-35,718,042, GGGCGGCGGC duplicated; duplicating any 10 consecutive bases within chr19:35,718,024-35,718,042 gives the same sequence; the c. name uses the placement nearest the transcript's 3' end. VCF-style (leftmost placement, unchanged base first): chr19-35718023-C-CGGCGGCGGCG. GRCh37 (hg19) VCF-style: chr19-36208925-C-CGGCGGCGGCG.
Other names: c.15_24dup (NM_014727.2); short protein forms S9fs.
Identifiers: ClinVar variation 817423 (VCV000817423.15), dbSNP rs1599665134, ClinGen allele CA915953031.